The following is an entry in ClinVar:

ClinVar aggregate classification (germline): Uncertain significance (1 of 4 stars; one submission).

Submission:

Ambry Genetics
Classification: Uncertain significance. Last evaluated: 2025-08-15. Review status: criteria provided, single submitter. Criteria: Ambry Variant Classification Scheme 2023. Collection method: clinical testing. Allele origin: germline.
Comment: The p.W427G variant (also known as c.1279T>G), located in coding exon 7 of the GALNT12 gene, results from a T to G substitution at nucleotide position 1279. The tryptophan at codon 427 is replaced by glycine, an amino acid with highly dissimilar properties. This amino acid position is conserved. In addition, this alteration is predicted to be deleterious by in silico analysis. Based on the available evidence, the clinical significance of this variant remains unclear.

NM_024642.5(GALNT12):c.1279T>G (p.Trp427Gly)

Gene: GALNT12 (polypeptide N-acetylgalactosaminyltransferase 12; plus strand). Cytogenetic location: 9q22.33.
Variant type: single nucleotide variant.
Coding change: c.1279T>G on transcript NM_024642.5 (MANE Select); coding-DNA position 1279, T replaced by G.
Protein change: p.Trp427Gly; replaces tryptophan 427 with glycine.
Molecular consequence: missense variant.
Genome position (GRCh38, 1-based): chr9:98,840,068, T>G. VCF-style: chr9-98840068-T-G. GRCh37 (hg19) VCF-style: chr9-101602350-T-G.
Other names: short protein forms W427G.
Identifiers: ClinVar variation 4261503 (VCV004261503.1).